The following is an entry in ClinVar:

NM_000101.4(CYBA):c.288G>T (p.Leu96=)

Gene: CYBA (cytochrome b-245 alpha chain; minus strand). Cytogenetic location: 16q24.2.
Variant type: single nucleotide variant.
Coding change: c.288G>T on transcript NM_000101.4 (MANE Select); coding-DNA position 288, G replaced by T.
Protein change: p.Leu96=; no amino-acid change (leucine 96 retained).
Molecular consequence: synonymous variant.
Genome position (GRCh38, 1-based): chr16:88,646,197, C>A on the plus strand (G>T on the coding strand, the complement: CYBA is on the minus strand). VCF-style: chr16-88646197-C-A. GRCh37 (hg19) VCF-style: chr16-88712605-C-A.
Identifiers: ClinVar variation 2137855 (VCV002137855.4), dbSNP rs200876803, ClinGen allele CA397063412.

ClinVar aggregate classification (germline): Uncertain significance (1 of 4 stars; one submission).

Conditions:
Granulomatous disease, chronic, autosomal recessive, cytochrome b-negative. Also called: GRANULOMATOUS DISEASE, CHRONIC, AUTOSOMAL RECESSIVE, 4; Chronic granulomatous disease, autosomal, due to deficiency of CYBA; CGD DUE TO DEFICIENCY OF THE ALPHA SUBUNIT OF CYTOCHROME b; CGD, AUTOSOMAL RECESSIVE CYTOCHROME b-NEGATIVE; CYBA DEFICIENCY. Identifiers: Orphanet 379, MedGen C1856255, MONDO:0009308, OMIM 233690.

gnomAD v4.1: 3 of 1,527,500 alleles (0.0002%); highest among the groups gnomAD compares: East Asian, 0.0025%; no homozygotes.

Submission:

Labcorp Genetics (formerly Invitae), Labcorp
Classification: Uncertain significance for Granulomatous disease, chronic, autosomal recessive, cytochrome b-negative. Last evaluated: 2022-04-26. Review status: criteria provided, single submitter. Criteria: Invitae Variant Classification Sherloc (09022015). Collection method: clinical testing. Allele origin: germline.
Comment: This variant has been observed in individual(s) with chronic granulomatous disease (PMID: 20167518). This variant is present in population databases (no rsID available, gnomAD 0.01%). This sequence change affects codon 96 of the CYBA mRNA. It is a 'silent' change, meaning that it does not change the encoded amino acid sequence of the CYBA protein. It affects a nucleotide within the consensus splice site. Algorithms developed to predict the effect of sequence changes on RNA splicing suggest that this variant is not likely to affect RNA splicing. In summary, the available evidence is currently insufficient to determine the role of this variant in disease. Therefore, it has been classified as a Variant of Uncertain Significance.

Literature cited by the submitters: PubMed 20167518.